The following is an entry in ClinVar:

NM_000243.3(MEFV):c.2080A>G (p.Met694Val)

Genes: MEFV (MEFV innate immunity regulator, pyrin; minus strand), LOC126862264 (CDK7 strongly-dependent group 2 enhancer GRCh37_chr16:3293322-3294521; plus strand). Cytogenetic location: 16p13.3.
Variant type: single nucleotide variant.
Coding change: c.2080A>G on transcript NM_000243.3 (MANE Select); coding-DNA position 2080, A replaced by G.
Protein change: p.Met694Val; replaces methionine 694 with valine.
Molecular consequence: missense variant. On other transcripts: 3 prime UTR variant (1).
Genome position (GRCh38, 1-based): chr16:3,243,407, T>C on the plus strand (A>G on the coding strand, the complement: MEFV is on the minus strand). VCF-style: chr16-3243407-T-C. GRCh37 (hg19) VCF-style: chr16-3293407-T-C.
Other names: M694V; NM_000243.2(MEFV):c.2080A>G(p.Met694Val); c.*284A>G (NM_001198536.2).
Identifiers: ClinVar variation 2538 (VCV000002538.152), dbSNP rs61752717, ClinGen allele CA280091.
Genomic context (GRCh38, chr16:3,243,407, plus strand): 5'-GCTCCTTTATTAGCAGGCGGGTCGGGGGAACGCTGGACGCCTGGTACTCATTTTCCTTCA[T>C]CATTATCACCACCCAGTAGCCATTCTCTGGCGACAGAGTCATGTTCCCTTTCCTGCTTAT-3'
Protein context (NP_000234.1, residues 684-704): PENGYWVVIM[Met694Val]KENEYQASSV

ClinVar aggregate classification (germline): Pathogenic/Likely pathogenic. Review status: criteria provided, multiple submitters, no conflicts (2 of 4 stars). 61 submissions from 59 submitters: Pathogenic (49); Likely pathogenic (2). 10 of the submissions do not count toward it. Last evaluated 2026-09-01.

Conditions:
MEFV-related disorder. Also called: MEFV-related disorders; MEFV-related condition.
Acute febrile neutrophilic dermatosis (AFND). Also called: Sweet Syndrome; Gomm Button disease. Identifiers: Orphanet 3243, MedGen C0085077, MONDO:0011959, OMIM 608068.
Autoinflammatory syndrome. Identifiers: Orphanet 93665, MedGen C3890737, MONDO:0019751.
Familial Mediterranean fever (FMF). Also called: Periodic peritonitis; Benign paroxysmal peritonitis; POLYSEROSITIS, FAMILIAL PAROXYSMAL; POLYSEROSITIS, RECURRENT. Identifiers: Orphanet 342, MedGen C0031069, MONDO:0018088, OMIM 249100. Disease mechanism: gain of function.
Familial Mediterranean fever, autosomal dominant. Also called: FMF, AUTOSOMAL DOMINANT; Dominant Familial Mediterranean Fever. Identifiers: Orphanet 342, MedGen C1851347, MONDO:0007601, OMIM 134610.
Inborn genetic diseases. Identifiers: MedGen C0950123, MeSH D030342.
Recurrent fever. Also called: Episodic fever. Identifiers: MedGen C3714772, HP:0001954.

Allele frequency attached by ClinVar (database versions not stated): ExAC 0.00023; gnomAD exomes 0.00028; 1000 Genomes Project 0.00020; TOPMed 0.00022; gnomAD 0.00012; 1000 Genomes Project 30x 0.00016.
gnomAD v4.1: 285 of 1,614,154 alleles (0.018%); highest among the groups gnomAD compares: Middle Eastern, 0.46%; 3 homozygotes.

Submissions 1 to 6 of 61:

CeGaT Center for Human Genetics Tuebingen
Classification: Pathogenic. Last evaluated: 2026-09-01. Review status: criteria provided, single submitter. Criteria: CeGaT Center For Human Genetics Tuebingen Variant Classification Criteria Version 2. Collection method: clinical testing. Allele origin: germline. Affected: yes. Observed: 336 variant alleles.
Comment: MEFV: PP1:Strong, PM1, PM5, PS3:Moderate, PS4:Moderate, PM2:Supporting, BP4

Institute of Human Genetics, University of Leipzig Medical Center
Classification: Pathogenic for Familial Mediterranean fever. Last evaluated: 2026-08-13. Review status: criteria provided, single submitter. Criteria: ACMG Guidelines, 2015. Collection method: clinical testing. Allele origin: unknown. Inheritance: Autosomal recessive inheritance. Affected: yes.
Comment: Criteria applied: PM3_VSTR,PM5_STR,PP1_STR,PS3_MOD,PM2_SUP; Identified as compund heterozygous with NM_000243.3:c.2177T>C

PreventionGenetics, part of Exact Sciences
Classification: Pathogenic for MEFV-related condition. Last evaluated: 2026-05-27. Review status: criteria provided, single submitter. Criteria: ACMG Guidelines, 2015. Collection method: clinical testing. Allele origin: germline.
Comment: The MEFV c.2080A>G variant is predicted to result in the amino acid substitution p.Met694Val. This variant is one of the most common pathogenic variants identified in patients with familial Mediterranean fever (FMF; Moradian et al. 2013. PubMed ID: 23907647; Comak et al. 2013. PubMed ID: 23588594; Sedivá et al. 2014. PubMed ID: 24251727). This variant has been identified in patients in the homozygous and compound heterozygous states, as well as in heterozygous carriers with clinical manifestations of FMF (Moradian et al. 2013. PubMed ID: 23907647; Sedivá et al. 2014. PubMed ID: 24251727). This variant is reported in 0.046% of alleles in individuals of European (Non-Finnish) descent in gnomAD. This variant is interpreted as pathogenic.

Victorian Clinical Genetics Services, Murdoch Childrens Research Institute
Classification: Pathogenic for Familial Mediterranean fever. Last evaluated: 2026-02-09. Review status: criteria provided, single submitter. Criteria: ACMG Guidelines, 2015. Collection method: clinical testing. Allele origin: germline. Affected: yes.
Comment: This variant is classified as Pathogenic. Evidence in support of pathogenic classification: Variant is present in gnomAD <0.01 (v4: 279 heterozygote(s), 3 homozygote(s)); This variant has strong previous evidence of pathogenicity in unrelated individuals. This variant has been classified many times as pathogenic, and is one of the most common alleles in individuals with familial Mediterranean fever. It has been observed in heterozygous, compound heterozygous and homozygous affected individuals (InFevers, ClinVar, PMID: 20301405). Evidence in support of benign classification: Missense variant predicted to be tolerated by in silico tool(s) or not conserved in placental mammals with a minor amino acid change. Additional information: Variant is predicted to result in a missense amino acid change from Met to Val; This variant is heterozygous; This gene is associated with both recessive and dominant disease. Familial Mediterranean fever is mostly autosomal recessive, however approximately 31% of patients with clinical familial Mediterranean fever lack a second disease-associated variant (PMID: 29393966, 31088470); Alternative amino acid change(s) at the same position are present in gnomAD (highest allele count: v4: 134 heterozygote(s), 0 homozygote(s)); Variant is located in the annotated SPRY domain (DECIPHER); Gain of function is a known mechanism of disease in this gene and is associated with familial Mediterranean fever (FMF; MIM#134610, MIM# 249100). Gain of function is a mechanism demonstrated by mouse models (PMID: 21600797). However, there has been some controversy as to whether this is due to a loss of an inhibitor or gain of pro-inflammatory function (PMID: 31088470); The condition associated with this gene has incomplete penetrance. Incomplete penetrance has been reported for variants in this gene (PMID: 11528510, PMID: 29393966). Penetrance for autosomal dominant FMF is incomplete, and the clinical severity is less than in autosomal recessive FMF (PMID: 20301405); Variants in this gene are known to have variable expressivity. There is variability of clinical symptoms in patients carrying the same mutations, even within the same family (PMID: 29393966). Previous studies have identified significant effects of modifying genes and environmental factors on the clinical phenotypes (PMID: 31088470); Heterozygous variant detected in trans with a second PATHOGENIC heterozygous variant (NM_000243.3(MEFV):c.2177T>C; p.(Val726Ala)) in a recessive disease.

Labcorp Genetics (formerly Invitae), Labcorp
Classification: Pathogenic for Familial Mediterranean fever. Last evaluated: 2026-02-03. Review status: criteria provided, single submitter. Criteria: Invitae Variant Classification Sherloc (09022015). Collection method: clinical testing. Allele origin: germline.
Comment: This sequence change replaces methionine, which is neutral and non-polar, with valine, which is neutral and non-polar, at codon 694 of the MEFV protein (p.Met694Val). This variant is present in population databases (rs61752717, gnomAD 0.04%). This missense change has been observed in individual(s) with familial Mediterranean fever (FMF) and in the homozygous state this variant is associated with a higher rate of amyloidosis and a lower response to colchicine (PMID: 9781020, 10364520, 20008920, 21290976, 22037353). In at least one individual the data is consistent with being in trans (on the opposite chromosome) from a pathogenic variant. It has also been observed to segregate with disease in related individuals. ClinVar contains an entry for this variant (Variation ID: 2538). An algorithm developed to predict the effect of missense changes on protein structure and function (PolyPhen-2) suggests that this variant is likely to be tolerated. Experimental studies have shown that this missense change affects MEFV function (PMID: 24318677). This variant disrupts the p.Met694 amino acid residue in MEFV. Other variant(s) that disrupt this residue have been determined to be pathogenic (PMID: 10787449, 15942916, 24318677). This suggests that this residue is clinically significant, and that variants that disrupt this residue are likely to be disease-causing. For these reasons, this variant has been classified as Pathogenic.

3billion
Classification: Pathogenic for Familial Mediterranean fever. Last evaluated: 2025-12-30. Review status: criteria provided, single submitter. Criteria: ACMG Guidelines, 2015. Collection method: clinical testing. Allele origin: germline. Affected: yes.
Comment: The variant is observed at an extremely low frequency in the gnomAD v4.1.0 dataset (total allele frequency: 0.018%). Predicted Consequence/Location: Missense variant Functional studies provide strong evidence of the variant having a damaging effect on the gene or gene product (PMID: 21600797). The same nucleotide change resulting in the same amino acid change has been previously reported as pathogenic/likely pathogenic with strong evidence (ClinVar ID: VCV000002538 /PMID: 9288758 /3billion dataset). The variant has been reported to be in trans with a pathogenic variant as either compound heterozygous or homozygous in at least one similarly affected unrelated individual (PMID: 10879615, 9288758). The variant has been reported to co-segregate with the disease in at least 3 similarly affected relatives/individuals in the same family or similarly affected unrelated families (PMID: 11977178). Different missense changes at the same codon (p.Met694Ile, p.Met694Lys) have been reported as pathogenic/likely pathogenic with strong evidence (ClinVar ID: VCV000002539 /PMID: 23031807, 9288094 /3billion dataset). Therefore, this variant is classified as Pathogenic according to the recommendation of ACMG/AMP guideline.